The following is an entry in ClinVar:

ClinVar aggregate classification (germline): Uncertain significance. Review status: criteria provided, multiple submitters, no conflicts (2 of 4 stars). 2 submissions from 2 submitters: Uncertain significance (2). Last evaluated 2024-11-26.

Conditions:
Adams-Oliver syndrome 5 (AOS5). Identifiers: Orphanet 974, MedGen C4014970, MONDO:0014459, OMIM 616028.
Familial thoracic aortic aneurysm and aortic dissection (TAAD). Also called: Thoracic aortic aneurysms and dissections. Identifiers: Orphanet 91387, MedGen C4707243, MONDO:0019625.

Allele frequency attached by ClinVar (database versions not stated): TOPMed below 0.00001; gnomAD 0.00001.

Submissions (2):

Ambry Genetics
Classification: Uncertain significance for Familial thoracic aortic aneurysm and aortic dissection. Last evaluated: 2024-11-26. Review status: criteria provided, single submitter. Criteria: Ambry Variant Classification Scheme 2023. Collection method: clinical testing. Allele origin: germline.
Comment: The c.5019-3C>T intronic variant results from a C to T substitution 3 nucleotides upstream from coding exon 27 in the NOTCH1 gene. This nucleotide position is well conserved in available vertebrate species. In silico splice site analysis predicts that this alteration will not have any significant effect on splicing. Based on the available evidence, the clinical significance of this variant remains unclear.

Labcorp Genetics (formerly Invitae), Labcorp
Classification: Uncertain significance for Adams-Oliver syndrome 5. Last evaluated: 2022-03-26. Review status: criteria provided, single submitter. Criteria: Invitae Variant Classification Sherloc (09022015). Collection method: clinical testing. Allele origin: germline.
Comment: In summary, the available evidence is currently insufficient to determine the role of this variant in disease. Therefore, it has been classified as a Variant of Uncertain Significance. Variants that disrupt the consensus splice site are a relatively common cause of aberrant splicing (PMID: 17576681, 9536098). Algorithms developed to predict the effect of sequence changes on RNA splicing suggest that this variant is not likely to affect RNA splicing. This variant has not been reported in the literature in individuals affected with NOTCH1-related conditions. This variant is not present in population databases (gnomAD no frequency). This sequence change falls in intron 26 of the NOTCH1 gene. It does not directly change the encoded amino acid sequence of the NOTCH1 protein. It affects a nucleotide within the consensus splice site.

Literature cited by the submitters: PubMed 17576681 (cited by Labcorp Genetics (formerly Invitae), Labcorp); PubMed 9536098 (cited by Labcorp Genetics (formerly Invitae), Labcorp).

NM_017617.5(NOTCH1):c.5019-3C>T

Gene: NOTCH1 (notch receptor 1; minus strand). Cytogenetic location: 9q34.3.
Variant type: single nucleotide variant.
Coding change: c.5019-3C>T on transcript NM_017617.5 (MANE Select); 3 bases into the intron before coding-DNA position 5019, C replaced by T.
Molecular consequence: intron variant.
Genome position (GRCh38, 1-based): chr9:136,503,333, G>A on the plus strand (C>T on the coding strand, the complement: NOTCH1 is on the minus strand). VCF-style: chr9-136503333-G-A. GRCh37 (hg19) VCF-style: chr9-139397785-G-A.
Other names: c.5019-3C>T (NM_017617.3).
Identifiers: ClinVar variation 2155595 (VCV002155595.5), dbSNP rs1470109921, ClinGen allele CA861079474.